The following is an entry in ClinVar:

NM_016169.4(SUFU):c.1013A>G (p.Asp338Gly)

Gene: SUFU (SUFU negative regulator of hedgehog signaling; plus strand). Cytogenetic location: 10q24.32.
Variant type: single nucleotide variant.
Coding change: c.1013A>G on transcript NM_016169.4 (MANE Select); coding-DNA position 1013, A replaced by G.
Protein change: p.Asp338Gly; replaces aspartic acid 338 with glycine.
Molecular consequence: missense variant.
Genome position (GRCh38, 1-based): chr10:102,599,535, A>G. VCF-style: chr10-102599535-A-G. GRCh37 (hg19) VCF-style: chr10-104359292-A-G.
Other names: c.1013A>G, p.Asp338Gly (NM_001178133.2); short protein forms D338G.
Identifiers: ClinVar variation 3226848 (VCV003226848.1), dbSNP rs2545101150, ClinGen allele CA377911199.

ClinVar aggregate classification (germline): Uncertain significance (1 of 4 stars; one submission).

Conditions:
Hereditary cancer-predisposing syndrome. Also called: Neoplastic Syndromes, Hereditary; Tumor predisposition; Hereditary neoplastic syndrome; Hereditary Cancer Syndrome. Identifiers: Orphanet 140162, MedGen C0027672, MeSH D009386, MONDO:0015356.

Submission:

Ambry Genetics
Classification: Uncertain significance for Hereditary cancer-predisposing syndrome. Last evaluated: 2023-12-14. Review status: criteria provided, single submitter. Criteria: Ambry Variant Classification Scheme 2023. Collection method: clinical testing. Allele origin: germline.
Comment: The p.D338G variant (also known as c.1013A>G), located in coding exon 8 of the SUFU gene, results from an A to G substitution at nucleotide position 1013. The aspartic acid at codon 338 is replaced by glycine, an amino acid with similar properties. This amino acid position is conserved. In addition, the in silico prediction for this alteration is inconclusive. Since supporting evidence is limited at this time, the clinical significance of this alteration remains unclear.